The following is an entry in ClinVar:

NM_000057.4(BLM):c.2784T>G (p.Asp928Glu)

Gene: BLM (BLM RecQ like helicase; plus strand). Cytogenetic location: 15q26.1.
Variant type: single nucleotide variant.
Coding change: c.2784T>G on transcript NM_000057.4 (MANE Select); coding-DNA position 2784, T replaced by G.
Protein change: p.Asp928Glu; replaces aspartic acid 928 with glutamic acid.
Molecular consequence: missense variant.
Genome position (GRCh38, 1-based): chr15:90,785,042, T>G. VCF-style: chr15-90785042-T-G. GRCh37 (hg19) VCF-style: chr15-91328272-T-G.
Other names: c.2784T>G, p.Asp928Glu (NM_001287246.2, NM_001287247.2); c.1659T>G, p.Asp553Glu (NM_001287248.2); short protein forms D553E, D928E.
Identifiers: ClinVar variation 821808 (VCV000821808.5), dbSNP rs1032746564, ClinGen allele CA393846105.

ClinVar aggregate classification (germline): Uncertain significance (1 of 4 stars; one submission).

Conditions:
Hereditary cancer-predisposing syndrome. Also called: Tumor predisposition; Hereditary Cancer Syndrome; Neoplastic Syndromes, Hereditary; Hereditary neoplastic syndrome. Identifiers: Orphanet 140162, MedGen C0027672, MeSH D009386, MONDO:0015356.

Submission:

Ambry Genetics
Classification: Uncertain significance for Hereditary cancer-predisposing syndrome. Last evaluated: 2024-12-06. Review status: criteria provided, single submitter. Criteria: Ambry Variant Classification Scheme 2023. Collection method: clinical testing. Allele origin: germline.
Comment: The p.D928E variant (also known as c.2784T>G), located in coding exon 13 of the BLM gene, results from a T to G substitution at nucleotide position 2784. The aspartic acid at codon 928 is replaced by glutamic acid, an amino acid with highly similar properties. This amino acid position is well conserved in available vertebrate species. In addition, this alteration is predicted to be tolerated by in silico analysis. Since supporting evidence is limited at this time, the clinical significance of this alteration remains unclear.